The following is an entry in ClinVar:

ClinVar aggregate classification (germline): Pathogenic (1 of 4 stars; one submission).

Conditions:
Duchenne muscular dystrophy (DMD). Also called: MUSCULAR DYSTROPHY, PSEUDOHYPERTROPHIC PROGRESSIVE, DUCHENNE TYPE; Duchenne Muscular Dystrophy (DMD). Identifiers: Orphanet 98896, MedGen C0013264, MONDO:0010679, OMIM 310200.

Submission:

Labcorp Genetics (formerly Invitae), Labcorp
Classification: Pathogenic for Duchenne muscular dystrophy. Last evaluated: 2018-10-21. Review status: criteria provided, single submitter. Criteria: Invitae Variant Classification Sherloc (09022015). Collection method: clinical testing. Allele origin: germline.
Comment: For these reasons, this variant has been classified as Pathogenic. Sub-genic deletion of exon 13 has been determined to be pathogenic (PMID:¬†15684864,¬†28116794, 28610567). Therefore, deletions that fully encompass that region are also expected to be pathogenic. This variant has been observed an individual affected with Becker muscular dystrophy (PMID: 23667215, 24292997). This variant is an in-frame deletion of the genomic region encompassing exons 10-22 of the DMD gene. It preserves the integrity of the reading frame.

Literature cited by the submitters: PubMed 23667215; PubMed 24292997.

NC_000023.11:g.(?_32472154)_(32651077_?)del

Genes: DMD (dystrophin; minus strand), MIR3915 (microRNA 3915; minus strand), MIR548F5 (microRNA 548f-5; minus strand). Cytogenetic location: Xp21.1.
Variant type: Deletion.
Identifiers: ClinVar variation 641562 (VCV000641562.8).